The following is an entry in ClinVar:

NM_001035.3(RYR2):c.279T>A (p.Val93=)

Gene: RYR2 (ryanodine receptor 2; plus strand). Cytogenetic location: 1q43.
Variant type: single nucleotide variant.
Coding change: c.279T>A on transcript NM_001035.3 (MANE Select); coding-DNA position 279, T replaced by A.
Protein change: p.Val93=; no amino-acid change (valine 93 retained).
Molecular consequence: synonymous variant.
Genome position (GRCh38, 1-based): chr1:237,355,970, T>A. VCF-style: chr1-237355970-T-A. GRCh37 (hg19) VCF-style: chr1-237519270-T-A.
Identifiers: ClinVar variation 1142132 (VCV001142132.51), dbSNP rs1037732490, ClinGen allele CA40009786.

ClinVar aggregate classification (germline): Conflicting classifications of pathogenicity. Review status: criteria provided, conflicting classifications (1 of 4 stars). 3 submissions from 3 submitters: Uncertain significance (1); Likely benign (2). Last evaluated 2024-08-13.

Conditions:
Catecholaminergic polymorphic ventricular tachycardia 1. Also called: RYR2-Related Catecholaminergic Polymorphic Ventricular Tachycardia; VENTRICULAR TACHYCARDIA, STRESS-INDUCED POLYMORPHIC 1; VENTRICULAR TACHYCARDIA, CATECHOLAMINERGIC POLYMORPHIC, 1, WITH OR WITHOUT ATRIAL DYSFUNCTION AND/OR DILATED CARDIOMYOPATHY. Identifiers: Orphanet 3286, MedGen C1631597, MONDO:0011484, OMIM 604772.
Cardiovascular phenotype. Identifiers: MedGen CN230736.
Catecholaminergic polymorphic ventricular tachycardia (CVPT). Also called: Catecholamine-induced polymorphic ventricular tachycardia. Identifiers: Orphanet 3286, MedGen C5574922, MONDO:0017990.

Allele frequency attached by ClinVar (database versions not stated): TOPMed below 0.00001.

Submissions (3):

All of Us Research Program, National Institutes of Health
Classification: Likely benign for Catecholaminergic polymorphic ventricular tachycardia. Last evaluated: 2024-08-13. Review status: criteria provided, single submitter. Criteria: ACMG Guidelines, 2015. Collection method: clinical testing. Allele origin: germline. Inheritance: Autosomal dominant inheritance. Observed: 1 variant allele, 1 heterozygote.
Comment: This study involves interpretation of variants in research participants for the purpose of population health screening. Participant phenotype was not available at the time of variant classification. Additional details can be found in publication PMID: 35346344, PMCID: PMC8962531

Ambry Genetics
Classification: Uncertain significance for Cardiovascular phenotype. Last evaluated: 2021-05-19. Review status: criteria provided, single submitter. Criteria: Ambry Variant Classification Scheme 2023. Collection method: clinical testing. Allele origin: germline.
Comment: The c.279T>A variant (also known as p.V93V), located in coding exon 4 of the RYR2 gene, results from a T to A substitution at nucleotide position 279. This nucleotide substitution does not change the amino acid at codon 93. This nucleotide position is highly conserved in available vertebrate species. In silico splice site analysis for this alteration is inconclusive. Since supporting evidence is limited at this time, the clinical significance of this alteration remains unclear.

Labcorp Genetics (formerly Invitae), Labcorp
Classification: Likely benign for Catecholaminergic polymorphic ventricular tachycardia 1. Last evaluated: 2020-02-01. Review status: criteria provided, single submitter. Criteria: Invitae Variant Classification Sherloc (09022015). Collection method: clinical testing. Allele origin: germline.